The following is an entry in ClinVar:

NM_005068.3(SIM1):c.2093G>T (p.Cys698Phe)

Gene: SIM1 (SIM bHLH transcription factor 1; minus strand). Cytogenetic location: 6q16.3.
Variant type: single nucleotide variant.
Coding change: c.2093G>T on transcript NM_005068.3 (MANE Select); coding-DNA position 2093, G replaced by T.
Protein change: p.Cys698Phe; replaces cysteine 698 with phenylalanine.
Molecular consequence: missense variant.
Genome position (GRCh38, 1-based): chr6:100,390,569, C>A on the plus strand (G>T on the coding strand, the complement: SIM1 is on the minus strand). VCF-style: chr6-100390569-C-A. GRCh37 (hg19) VCF-style: chr6-100838445-C-A.
Other names: c.2093G>T, p.Cys698Phe (NM_001374769.1); short protein forms C698F.
Identifiers: ClinVar variation 1702622 (VCV001702622.2), dbSNP rs1770611207, ClinGen allele CA365297676.
Genomic context (GRCh38, chr6:100,390,569, plus strand): 5'-AGGGCATATCCAGTTAATGTGTAAGCATGCTTGTCAAAATACTGCCGGTGAGAGCCAAAG[C>A]AGTTTGGAGAGACAGTAGGGTGGTCTCCTGCTGTCTGATGAGGAGATATATCCGAATGCA-3'
Protein context (NP_005059.2, residues 688-708): AGDHPTVSPN[Cys698Phe]FGSHRQYFDK

ClinVar aggregate classification (germline): Uncertain significance (1 of 4 stars; one submission).

Submission:

GeneDx
Classification: Uncertain significance. Last evaluated: 2022-02-19. Review status: criteria provided, single submitter. Criteria: GeneDx Variant Classification Process June 2021. Collection method: clinical testing. Allele origin: germline. Affected: yes.
Comment: Not observed at significant frequency in large population cohorts (gnomAD); In silico analysis supports that this missense variant does not alter protein structure/function; Has not been previously published as pathogenic or benign to our knowledge